The following is an entry in ClinVar:

ClinVar aggregate classification (germline): Benign/Likely benign. Review status: criteria provided, multiple submitters, no conflicts (2 of 4 stars). 7 submissions from 7 submitters: Benign (1); Likely benign (5). 1 of the submissions does not count toward it. Last evaluated 2025-12-21.

Conditions:
Epidermolysis bullosa simplex with nail dystrophy (EBS5D). Identifiers: MedGen C4225309, MONDO:0014661, OMIM 616487.
Autosomal recessive limb-girdle muscular dystrophy type 2Q (LGMDR17). Also called: MUSCULAR DYSTROPHY, LIMB-GIRDLE, AUTOSOMAL RECESSIVE 17. Identifiers: Orphanet 254361, MedGen C3150989, MONDO:0013390, OMIM 613723.
Epidermolysis bullosa simplex, Ogna type (EBS5A). Also called: Pidermolysis bullosa simplex 5A, Ogna type; EPIDERMOLYSIS BULLOSA SIMPLEX 5A, OGNA TYPE. Identifiers: Orphanet 79401, MedGen C0432317, MONDO:0007555, OMIM 131950.
Epidermolysis bullosa simplex 5B, with muscular dystrophy (EBS5B). Also called: Epidermolysis bullosa simplex with muscular dystrophy; EPIDERMOLYSIS BULLOSA SIMPLEX AND LIMB-GIRDLE MUSCULAR DYSTROPHY. Identifiers: Orphanet 257, MedGen C2931072, MONDO:0009181, OMIM 226670.
Epidermolysis bullosa simplex 5C, with pyloric atresia (EBS5C). Also called: PLEC-Related Epidermolysis Bullosa with Pyloric Atresia; Epidermolysis bullosa simplex with pyloric atresia; PLEC1-Related Epidermolysis Bullosa with Pyloric Atresia. Identifiers: Orphanet 158684, MedGen C2677349, MONDO:0012807, OMIM 612138.
PLEC-related disorder. Also called: PLEC-related disorders; PLEC-related condition.

Allele frequency attached by ClinVar (database versions not stated): gnomAD 0.00006 and 0.00015; TOPMed 0.00010; gnomAD exomes 0.00027 and 0.00050; 1000 Genomes Project 0.00040; 1000 Genomes Project 30x 0.00047; ExAC 0.00106.
gnomAD v4.1: 399 of 1,590,152 alleles (0.025%); highest among the groups gnomAD compares: South Asian, 0.36%; 2 homozygotes.

Submissions (7):

Labcorp Genetics (formerly Invitae), Labcorp
Classification: Benign for Autosomal recessive limb-girdle muscular dystrophy type 2Q; Epidermolysis bullosa simplex, Ogna type; Epidermolysis bullosa simplex with nail dystrophy; Epidermolysis bullosa simplex 5C, with pyloric atresia; Epidermolysis bullosa simplex 5B, with muscular dystrophy. Last evaluated: 2025-12-21. Review status: criteria provided, single submitter. Criteria: Invitae Variant Classification Sherloc (09022015). Collection method: clinical testing. Allele origin: germline.

Blueprint Genetics
Classification: Likely benign. Last evaluated: 2024-07-29. Review status: criteria provided, single submitter. Criteria: ACMG Guidelines, 2015. Collection method: clinical testing. Allele origin: germline.

CeGaT Center for Human Genetics Tuebingen
Classification: Likely benign. Last evaluated: 2024-03-01. Review status: criteria provided, single submitter. Criteria: CeGaT Center For Human Genetics Tuebingen Variant Classification Criteria Version 2. Collection method: clinical testing. Allele origin: germline. Affected: yes. Observed: 2 variant alleles.
Comment: PLEC: BP4, BP7

GeneDx
Classification: Likely benign. Last evaluated: 2020-02-03. Review status: criteria provided, single submitter. Criteria: GeneDx Variant Classification Process June 2021. Collection method: clinical testing. Allele origin: germline. Affected: yes.

Eurofins Ntd Llc (ga)
Classification: Likely benign. Last evaluated: 2018-09-12. Review status: criteria provided, single submitter. Criteria: EGL ClinVar v180209 classification definitions. Collection method: clinical testing. Allele origin: germline. Observed: 1 variant allele, 1 heterozygote.

Breakthrough Genomics
Classification: Likely benign. Review status: criteria provided, single submitter. Criteria: ACMG Guidelines, 2015. Collection method: not provided. Allele origin: germline. Inheritance: Autosomal recessive inheritance. Affected: yes.

PreventionGenetics, part of Exact Sciences
Classification: Likely benign for PLEC-related condition. Last evaluated: 2023-12-06. Review status: no assertion criteria provided. Collection method: clinical testing. Allele origin: germline. Not counted in ClinVar's aggregate classification.
Comment: This variant is classified as likely benign based on ACMG/AMP sequence variant interpretation guidelines (Richards et al. 2015 PMID: 25741868, with internal and published modifications).

NM_201384.3(PLEC):c.7029G>A (p.Ala2343=)

Gene: PLEC (plectin; minus strand). Cytogenetic location: 8q24.3.
Variant type: single nucleotide variant.
Coding change: c.7029G>A on transcript NM_201384.3 (MANE Select); coding-DNA position 7029, G replaced by A.
Protein change: p.Ala2343=; no amino-acid change (alanine 2343 retained).
Molecular consequence: synonymous variant.
Genome position (GRCh38, 1-based): chr8:143,922,900, C>T on the plus strand (G>A on the coding strand, the complement: PLEC is on the minus strand). VCF-style: chr8-143922900-C-T. GRCh37 (hg19) VCF-style: chr8-144997068-C-T.
Other names: c.7110G>A, p.Ala2370= (NM_000445.5); c.6987G>A, p.Ala2329= (NM_201378.4); c.6963G>A, p.Ala2321= (NM_201379.3); c.7440G>A, p.Ala2480= (NM_201380.4); c.6933G>A, p.Ala2311= (NM_201381.3); c.7029G>A, p.Ala2343= (NM_201382.4); c.7041G>A, p.Ala2347= (NM_201383.3); c.7110G>A (NM_000445.4).
Identifiers: ClinVar variation 388954 (VCV000388954.41), dbSNP rs559198172, ClinGen allele CA4925779.
Genomic context (GRCh38, chr8:143,922,900, plus strand): 5'-GCCCTGCGTCTCCTCCGCCAGCTGCTGCGCCATCTGCTCCTTGTCCTCCTGCAGCCGCCG[C>T]GCCTGCTCCTGCGCAAGCTCCTTCTGCTGCTGCAGCAGTTCCGCCTCAGCCTTGAGTCGC-3'
Protein context (NP_958786.1, residues 2333-2353): QQQKELAQEQ[Ala2343=]RRLQEDKEQM